The following is an entry in ClinVar:

ClinVar aggregate classification (germline): Uncertain significance (1 of 4 stars; one submission).

Conditions:
Brown-Vialetto-van Laere syndrome 2. Also called: Riboflavin transporter deficiency type 2; SPINOCEREBELLAR ATAXIA WITH BLINDNESS AND DEAFNESS 2. Identifiers: Orphanet 572543, Orphanet 97229, MedGen C3553538, MONDO:0013867, OMIM 614707.

Submission:

Labcorp Genetics (formerly Invitae), Labcorp
Classification: Uncertain significance for Brown-Vialetto-van Laere syndrome 2. Last evaluated: 2017-10-30. Review status: criteria provided, single submitter. Criteria: Invitae Variant Classification Sherloc (09022015). Collection method: clinical testing. Allele origin: germline.
Comment: This variant has not been reported in the literature in individuals with SLC52A2-related disease. Algorithms developed to predict the effect of missense changes on protein structure and function (SIFT, PolyPhen-2, Align-GVGD) all suggest that this variant is likely to be disruptive, but these predictions have not been confirmed by published functional studies and their clinical significance is uncertain. In summary, the available evidence is currently insufficient to determine the role of this variant in disease. Therefore, it has been classified as a Variant of Uncertain Significance. This variant is not present in population databases (ExAC no frequency). This sequence change replaces glycine with arginine at codon 107 of the SLC52A2 protein (p.Gly107Arg). The glycine residue is highly conserved and there is a moderate physicochemical difference between glycine and arginine.

NM_001363118.2(SLC52A2):c.319G>A (p.Gly107Arg)

Gene: SLC52A2 (solute carrier family 52 member 2; plus strand). Cytogenetic location: 8q24.3.
Variant type: single nucleotide variant.
Coding change: c.319G>A on transcript NM_001363118.2 (MANE Select); coding-DNA position 319, G replaced by A.
Protein change: p.Gly107Arg; replaces glycine 107 with arginine.
Molecular consequence: missense variant. On other transcripts: non-coding transcript variant (1), intron variant (1).
Genome position (GRCh38, 1-based): chr8:144,359,811, G>A. VCF-style: chr8-144359811-G-A. GRCh37 (hg19) VCF-style: chr8-145583471-G-A.
Other names: c.319G>A, p.Gly107Arg (NM_001253815.2, NM_001253816.2, NM_001363120.2 and 2 more transcripts); c.131-304G>A (NM_001363122.2); short protein forms G107R.
Identifiers: ClinVar variation 540438 (VCV000540438.6), dbSNP rs1330914046, ClinGen allele CA372626817.
Genomic context (GRCh38, chr8:144,359,811, plus strand): 5'-CTGGGCATGGTGGGCACAGCCCTGCTGGCCTCTCTGTGGCACCATGTGGCCCCAGTGGCA[G>A]GACAGTTGCATTCTGTGGCCTTCTTAGCACTGGCCTTTGTGCTGGCACTGGCATGCTGTG-3'
Protein context (NP_001350047.1, residues 97-117): SLWHHVAPVA[Gly107Arg]QLHSVAFLAL